The following is an entry in ClinVar:

ClinVar aggregate classification (germline): Pathogenic/Likely pathogenic. Review status: criteria provided, multiple submitters, no conflicts (2 of 4 stars). 2 submissions from 2 submitters: Pathogenic (1); Likely pathogenic (1). Last evaluated 2023-12-11.

Conditions:
Megalencephaly-polymicrogyria-polydactyly-hydrocephalus syndrome 1 (MPPH1). Also called: MEGALENCEPHALY, MEGA CORPUS CALLOSUM, AND COMPLETE LACK OF MOTOR DEVELOPMENT; MEGALENCEPHALY, POLYMICROGYRIA, MEGA CORPUS CALLOSUM SYNDROME. Identifiers: Orphanet 83473, MedGen C4012727, MONDO:0011313, OMIM 603387.

Submissions (2):

Institute of Human Genetics, University of Leipzig Medical Center
Classification: Pathogenic for Megalencephaly-polymicrogyria-polydactyly-hydrocephalus syndrome 1. Last evaluated: 2023-12-11. Review status: criteria provided, single submitter. Criteria: ACMG Guidelines, 2015. Collection method: clinical testing. Allele origin: unknown. Inheritance: Autosomal dominant inheritance. Affected: yes.
Comment: Criteria applied: PM1,PM5,PP4_MOD,PS4_SUP,PM2,PP3

Genetic Services Laboratory, University of Chicago
Classification: Likely pathogenic. Last evaluated: 2018-03-12. Review status: criteria provided, single submitter. Criteria: ACMG Guidelines, 2015. Collection method: clinical testing. Allele origin: germline. Affected: yes.

NM_001759.4(CCND2):c.851T>A (p.Val284Glu)

Gene: CCND2 (cyclin D2; plus strand). Cytogenetic location: 12p13.32.
Variant type: single nucleotide variant.
Coding change: c.851T>A on transcript NM_001759.4 (MANE Select); coding-DNA position 851, T replaced by A.
Protein change: p.Val284Glu; replaces valine 284 with glutamic acid.
Molecular consequence: missense variant.
Genome position (GRCh38, 1-based): chr12:4,299,990, T>A. VCF-style: chr12-4299990-T-A. GRCh37 (hg19) VCF-style: chr12-4409156-T-A.
Other names: short protein forms V284E.
Identifiers: ClinVar variation 1338376 (VCV001338376.6), dbSNP rs777786993, ClinGen allele CA383413803.